The following is an entry in ClinVar:

NM_003074.4(SMARCC1):c.967C>T (p.Arg323Ter)

Gene: SMARCC1 (SWI/SNF related BAF chromatin remodeling complex subunit C1; minus strand). Cytogenetic location: 3p21.31.
Variant type: single nucleotide variant.
Coding change: c.967C>T on transcript NM_003074.4 (MANE Select); coding-DNA position 967, C replaced by T.
Protein change: p.Arg323Ter; replaces arginine 323 with a stop codon.
Molecular consequence: nonsense.
Genome position (GRCh38, 1-based): chr3:47,706,482, G>A on the plus strand (C>T on the coding strand, the complement: SMARCC1 is on the minus strand). VCF-style: chr3-47706482-G-A. GRCh37 (hg19) VCF-style: chr3-47747972-G-A.
Other names: c.967C>T (NM_003074.3); short protein forms R323*.
Identifiers: ClinVar variation 3025780 (VCV003025780.24), dbSNP rs2549189964, ClinGen allele CA352988745.

ClinVar aggregate classification (germline): Likely pathogenic. Review status: criteria provided, multiple submitters, no conflicts (2 of 4 stars). 3 submissions from 3 submitters: Likely pathogenic (3). Last evaluated 2025-06-20.

Conditions:
SMARCC1-related disorder. Also called: SMARCC1-related condition.
Hydrocephalus, congenital, 5, susceptibility to (HYC5). Identifiers: MedGen C5830272, MONDO:0859376, OMIM 620241.

Allele frequency attached by ClinVar (database versions not stated): gnomAD exomes below 0.00001.
gnomAD v4.1: 1 of 1,581,240 alleles (0.000063%); highest among the groups gnomAD compares: Non-Finnish European, 0.000086%; no homozygotes.

Submissions (3):

PreventionGenetics, part of Exact Sciences
Classification: Likely pathogenic for SMARCC1-related condition. Last evaluated: 2025-06-20. Review status: criteria provided, single submitter. Criteria: ACMG Guidelines, 2015. Collection method: clinical testing. Allele origin: germline.
Comment: The SMARCC1 c.967C>T variant is predicted to result in premature protein termination (p.Arg323*). This variant has not been reported in the literature or in a large population database (gnomAD), indicating this variant is rare. Loss of function variants in SMARCC1 are expected to be pathogenic, though are noted to have incomplete penetrance (Furey et al. 2018. PubMed ID: 29983323; Rive Le Gouard et al. 2023. PubMed ID: 37285932; Hourvitz et al. 2023. PubMed ID: 37639281). This variant is interpreted as likely pathogenic.

Pittsburgh Clinical Genomics Laboratory, University of Pittsburgh Medical Center
Classification: Likely pathogenic for Hydrocephalus, congenital, 5, susceptibility to. Last evaluated: 2024-05-10. Review status: criteria provided, single submitter. Criteria: ACMG Guidelines, 2015. Collection method: clinical testing. Allele origin: germline. Inheritance: Autosomal dominant inheritance. Affected: yes.
Comment: This sequence variant is a single nucleotide substitution (C>T) at position 967 of the coding sequence of the SMARCC1 gene which changes the Arg323 codon to an early termination codon. As it occurs in exon 10 of 28, this variant is predicted to generate a non-functional allele through either the expression of a truncated protein or a loss of SMARCC1 expression due to nonsense-mediated decay. This is a previously reported variant (ClinVar 3025780) that has not been observed in individuals affected by a SMARCC1-related disorder in the published literature, to our knowledge. This variant is present in 1 of 1581240 alleles (0.00006%) in the gnomAD v4.1.0 population dataset. Based upon the evidence, we consider this variant to be likely pathogenic. ACMG Criteria: PM2, PVS1

CeGaT Center for Human Genetics Tuebingen
Classification: Likely pathogenic. Last evaluated: 2024-01-01. Review status: criteria provided, single submitter. Criteria: CeGaT Center For Human Genetics Tuebingen Variant Classification Criteria Version 2. Collection method: clinical testing. Allele origin: germline. Affected: yes. Observed: 1 variant allele.
Comment: SMARCC1: PVS1:Strong, PM2